The following is an entry in ClinVar:

NM_001127222.2(CACNA1A):c.1118G>A (p.Arg373Gln)

Gene: CACNA1A (calcium voltage-gated channel subunit alpha1 A; minus strand). Cytogenetic location: 19p13.13.
Variant type: single nucleotide variant.
Coding change: c.1118G>A on transcript NM_001127222.2 (MANE Select); coding-DNA position 1118, G replaced by A.
Protein change: p.Arg373Gln; replaces arginine 373 with glutamine.
Molecular consequence: missense variant.
Genome position (GRCh38, 1-based): chr19:13,334,458, C>T on the plus strand (G>A on the coding strand, the complement: CACNA1A is on the minus strand). VCF-style: chr19-13334458-C-T. GRCh37 (hg19) VCF-style: chr19-13445272-C-T.
Other names: c.1118G>A, p.Arg373Gln (NM_000068.4, NM_001127221.2, NM_001174080.2 and 1 more transcripts); short protein forms R373Q.
Identifiers: ClinVar variation 1062340 (VCV001062340.9), dbSNP rs2145132803, ClinGen allele CA404346566.

ClinVar aggregate classification (germline): Uncertain significance (1 of 4 stars; one submission).

Conditions:
Developmental and epileptic encephalopathy, 42 (DEE42A). Also called: DEVELOPMENTAL AND EPILEPTIC ENCEPHALOPATHY 42A; EPILEPTIC ENCEPHALOPATHY, EARLY INFANTILE, 42A; Epileptic encephalopathy, early infantile, 42. Identifiers: MedGen C4310716, MONDO:0014917, OMIM 617106.
Episodic ataxia type 2 (EA2). Also called: EPISODIC ATAXIA, NYSTAGMUS-ASSOCIATED; ACETAZOLAMIDE-RESPONSIVE HEREDITARY PAROXYSMAL CEREBELLAR ATAXIA; ATAXIA, EPISODIC, WITH NYSTAGMUS; ATAXIA, FAMILIAL PAROXYSMAL; CEREBELLAR ATAXIA, PAROXYSMAL, ACETAZOLAMIDE-RESPONSIVE; CEREBELLOPATHY, HEREDITARY PAROXYSMAL. Identifiers: Orphanet 97, MedGen C1720416, MONDO:0007163, OMIM 108500.

Submission:

Labcorp Genetics (formerly Invitae), Labcorp
Classification: Uncertain significance for Developmental and epileptic encephalopathy, 42; Episodic ataxia type 2. Last evaluated: 2024-07-09. Review status: criteria provided, single submitter. Criteria: Invitae Variant Classification Sherloc (09022015). Collection method: clinical testing. Allele origin: germline.
Comment: This sequence change replaces arginine, which is basic and polar, with glutamine, which is neutral and polar, at codon 373 of the CACNA1A protein (p.Arg373Gln). This variant is not present in population databases (gnomAD no frequency). This variant has not been reported in the literature in individuals affected with CACNA1A-related conditions. ClinVar contains an entry for this variant (Variation ID: 1062340). Advanced modeling of protein sequence and biophysical properties (such as structural, functional, and spatial information, amino acid conservation, physicochemical variation, residue mobility, and thermodynamic stability) performed at Invitae indicates that this missense variant is expected to disrupt CACNA1A protein function with a positive predictive value of 95%. In summary, the available evidence is currently insufficient to determine the role of this variant in disease. Therefore, it has been classified as a Variant of Uncertain Significance.